The following is an entry in ClinVar:

NM_004991.4(MECOM):c.2425C>T (p.Pro809Ser)

Gene: MECOM (MDS1 and EVI1 complex locus; minus strand). Cytogenetic location: 3q26.2.
Variant type: single nucleotide variant.
Coding change: c.2425C>T on transcript NM_004991.4 (MANE Select); coding-DNA position 2425, C replaced by T.
Protein change: p.Pro809Ser; replaces proline 809 with serine.
Molecular consequence: missense variant.
Genome position (GRCh38, 1-based): chr3:169,115,447, G>A on the plus strand (C>T on the coding strand, the complement: MECOM is on the minus strand). VCF-style: chr3-169115447-G-A. GRCh37 (hg19) VCF-style: chr3-168833235-G-A.
Other names: c.2056C>T, p.Pro686Ser (NM_001105077.4); c.1861C>T, p.Pro621Ser (NM_001105078.4, NM_001164000.2, NM_001205194.2 and 4 more transcripts); c.1864C>T, p.Pro622Ser (NM_001163999.2, NM_001366467.2, NM_001366468.2 and 1 more transcripts); c.2425C>T, p.Pro809Ser (NM_001366466.2); c.1453C>T, p.Pro485Ser (NM_001366473.2); c.889C>T, p.Pro297Ser (NM_001366474.2); short protein forms P297S, P622S, P686S, P485S, P621S, P809S.
Identifiers: ClinVar variation 3871800 (VCV003871800.1).

ClinVar aggregate classification (germline): Uncertain significance (1 of 4 stars; one submission).

Conditions:
Inborn genetic diseases. Identifiers: MedGen C0950123, MeSH D030342.

gnomAD v4.1: 27 of 1,614,044 alleles (0.0017%); highest among the groups gnomAD compares: South Asian, 0.023%; no homozygotes.

Submission:

Ambry Genetics
Classification: Uncertain significance for Inborn genetic diseases. Last evaluated: 2025-02-05. Review status: criteria provided, single submitter. Criteria: Ambry Variant Classification Scheme 2023. Collection method: clinical testing. Allele origin: germline.
Comment: The p.P809S variant (also known as c.2425C>T), located in coding exon 8 of the MECOM gene, results from a C to T substitution at nucleotide position 2425. The proline at codon 809 is replaced by serine, an amino acid with similar properties. This amino acid position is conserved. In addition, this alteration is predicted to be tolerated by in silico analysis. Based on the available evidence, the clinical significance of this variant remains unclear.